The following is an entry in ClinVar:

ClinVar aggregate classification (germline): Uncertain significance (1 of 4 stars; one submission).

Conditions:
Hereditary cancer-predisposing syndrome. Also called: Tumor predisposition; Neoplastic Syndromes, Hereditary; Hereditary Cancer Syndrome; Hereditary neoplastic syndrome. Identifiers: Orphanet 140162, MedGen C0027672, MeSH D009386, MONDO:0015356.

Submission:

Catlab - Consorci Sanitari de Terrassa
Classification: Uncertain significance for Hereditary cancer-predisposing syndrome. Last evaluated: 2024-11-12. Review status: criteria provided, single submitter. Criteria: ClinGen CRC ACMG Specifications MSH6 V1.0.0. Collection method: clinical testing. Allele origin: germline.
Comment: Based on the currently available information, this variant is classified as Variant of Uncertain Significance according to ClinGen-MSH6 v1.0.0 guidelines. ACMG criteria: PM2_supp, BP4.

NM_000179.3(MSH6):c.202A>G (p.Lys68Glu)

Gene: MSH6 (mutS homolog 6; plus strand). Cytogenetic location: 2p16.3.
Variant type: single nucleotide variant.
Coding change: c.202A>G on transcript NM_000179.3 (MANE Select); coding-DNA position 202, A replaced by G.
Protein change: p.Lys68Glu; replaces lysine 68 with glutamic acid.
Molecular consequence: missense variant. On other transcripts: 5 prime UTR variant (7), synonymous variant (1), non-coding transcript variant (5), intron variant (5).
Genome position (GRCh38, 1-based): chr2:47,783,435, A>G. VCF-style: chr2-47783435-A-G. GRCh37 (hg19) VCF-style: chr2-48010574-A-G.
Other names: c.202A>G, p.Lys68Glu (NM_001281492.2, NM_001406795.1, NM_001406796.1 and 9 more transcripts); c.-535A>G (NM_001281493.2, NM_001406811.1); c.-127A>G (NM_001406799.1); c.147A>G, p.Pro49= (NM_001406804.1); c.-727A>G (NM_001406807.1); c.-382A>G (NM_001406812.1); c.-793A>G (NM_001406814.1); c.-338A>G (NM_001406816.1); and 3 more; short protein forms K68E.
Identifiers: ClinVar variation 4280320 (VCV004280320.1).
Genomic context (GRCh38, chr2:47,783,435, plus strand): 5'-GCGGCCTGGAGCGAGGCTGGGCCTGGGCCCAGGCCCTTGGCGCGCTCCGCGTCACCGCCC[A>G]AGGCGAAGAACCTCAACGGAGGGCTGCGGAGATCGGTAGCGCCTGCTGCCCCCACCAGGT-3'
Protein context (NP_000170.1, residues 58-78): RPLARSASPP[Lys68Glu]AKNLNGGLRR